The following is an entry in ClinVar:

NM_004415.4(DSP):c.7014G>T (p.Gly2338=)

Gene: DSP (desmoplakin; plus strand). Cytogenetic location: 6p24.3.
Variant type: single nucleotide variant.
Coding change: c.7014G>T on transcript NM_004415.4 (MANE Select); coding-DNA position 7014, G replaced by T.
Protein change: p.Gly2338=; no amino-acid change (glycine 2338 retained).
Molecular consequence: synonymous variant.
Genome position (GRCh38, 1-based): chr6:7,584,276, G>T. VCF-style: chr6-7584276-G-T. GRCh37 (hg19) VCF-style: chr6-7584509-G-T.
Other names: c.5217G>T, p.Gly1739= (NM_001008844.3); c.5685G>T, p.Gly1895= (NM_001319034.2).
Identifiers: ClinVar variation 3071098 (VCV003071098.1), dbSNP rs1054965369, ClinGen allele CA448716079.

ClinVar aggregate classification (germline): Uncertain significance (1 of 4 stars; one submission).

Conditions:
Arrhythmogenic cardiomyopathy with wooly hair and keratoderma. Also called: PALMOPLANTAR KERATODERMA WITH LEFT VENTRICULAR CARDIOMYOPATHY AND WOOLLY HAIR; Carvajal syndrome; Dilated cardiomyopathy with woolly hair and keratoderma; Arrhythmogenic cardiomyopathy with woolly hair and keratoderma. Identifiers: Orphanet 65282, MedGen C1854063, MONDO:0011581, OMIM 605676.

Submission:

All of Us Research Program, National Institutes of Health
Classification: Uncertain significance for Arrhythmogenic cardiomyopathy with wooly hair and keratoderma. Last evaluated: 2023-05-16. Review status: criteria provided, single submitter. Criteria: ACMG Guidelines, 2015. Collection method: clinical testing. Allele origin: germline. Inheritance: Autosomal dominant inheritance. Observed: 1 variant allele, 1 heterozygote.
Comment: This variant is located in the DSP protein. To our knowledge, functional studies have not been reported for this variant. This variant has not been reported in individuals affected with DSP-related disorders in the literature. This variant has not been identified in the general population by the Genome Aggregation Database (gnomAD). The available evidence is insufficient to determine the role of this variant in disease conclusively. Therefore, this variant is classified as a Variant of Uncertain Significance.

This study involves interpretation of variants in research participants for the purpose of population health screening. Participant phenotype was not available at the time of variant classification. Additional details can be found in publication PMID: 35346344, PMCID: PMC8962531